The following is an entry in ClinVar:

NM_006206.6(PDGFRA):c.248C>T (p.Thr83Met)

Gene: PDGFRA (platelet derived growth factor receptor alpha; plus strand). Cytogenetic location: 4q12.
Variant type: single nucleotide variant.
Coding change: c.248C>T on transcript NM_006206.6 (MANE Select); coding-DNA position 248, C replaced by T.
Protein change: p.Thr83Met; replaces threonine 83 with methionine.
Molecular consequence: missense variant.
Genome position (GRCh38, 1-based): chr4:54,261,293, C>T. VCF-style: chr4-54261293-C-T. GRCh37 (hg19) VCF-style: chr4-55127460-C-T.
Other names: c.248C>T (NM_006206.5); c.248C>T, p.Thr83Met (NM_001347827.2, NM_001347829.2); c.323C>T, p.Thr108Met (NM_001347828.2); c.287C>T, p.Thr96Met (NM_001347830.2); short protein forms T83M, T96M, T108M.
Identifiers: ClinVar variation 407420 (VCV000407420.23), dbSNP rs779332376, ClinGen allele CA2922251.

ClinVar aggregate classification (germline): Conflicting classifications of pathogenicity. Review status: criteria provided, conflicting classifications (1 of 4 stars). 6 submissions from 6 submitters: Likely pathogenic (1); Uncertain significance (4); Benign (1). Last evaluated 2026-02-20.

Conditions:
PDGFRA-related disorder. Also called: PDGFRA-related condition.
Polyps, multiple and recurrent inflammatory fibroid, gastrointestinal. Identifiers: MedGen C5193005, MONDO:0008285, OMIM 175510.
Hereditary cancer-predisposing syndrome. Also called: Neoplastic Syndromes, Hereditary; Tumor predisposition; Hereditary Cancer Syndrome; Hereditary neoplastic syndrome. Identifiers: Orphanet 140162, MedGen C0027672, MeSH D009386, MONDO:0015356.
Ovarian cancer. Also called: OVARIAN CANCER, SOMATIC. Identifiers: Orphanet 213500, MedGen C1140680, MONDO:0008170, OMIM 167000.
Gastrointestinal stromal tumor. Also called: Gastrointestinal stroma tumor; Gastrointestinal stromal tumor, somatic. Identifiers: Orphanet 44890, MedGen C0238198, MeSH D046152, MONDO:0011719, OMIM 606764, HP:0100723.

Allele frequency attached by ClinVar (database versions not stated): gnomAD exomes 0.00003 and 0.00005; ExAC 0.00005; gnomAD 0.00007 and 0.00009; TOPMed 0.00015.
gnomAD v4.1: 59 of 1,613,940 alleles (0.0037%); highest among the groups gnomAD compares: African/African-American, 0.021%; no homozygotes.

Submissions (6):

PreventionGenetics, part of Exact Sciences
Classification: Uncertain significance for PDGFRA-related condition. Last evaluated: 2026-02-20. Review status: criteria provided, single submitter. Criteria: ACMG Guidelines, 2015. Collection method: clinical testing. Allele origin: germline.
Comment: The PDGFRA c.248C>T variant is predicted to result in the amino acid substitution p.Thr83Met. To our knowledge, this variant has not been reported as a germline variant in the literature. This variant is reported in 0.025% of alleles in individuals of East Asian descent in gnomAD and has conflicting interpretations of pathogenicity in ClinVar, ranging from likely pathogenic to benign (Variation ID: 407420). At this time, the clinical significance of this variant is uncertain due to the absence of conclusive functional and genetic evidence.

Labcorp Genetics (formerly Invitae), Labcorp
Classification: Uncertain significance for Gastrointestinal stromal tumor. Last evaluated: 2026-02-03. Review status: criteria provided, single submitter. Criteria: Invitae Variant Classification Sherloc (09022015). Collection method: clinical testing. Allele origin: germline.
Comment: This sequence change replaces threonine, which is neutral and polar, with methionine, which is neutral and non-polar, at codon 83 of the PDGFRA protein (p.Thr83Met). This variant is present in population databases (rs779332376, gnomAD 0.03%). This variant has not been reported in the literature in individuals affected with PDGFRA-related conditions. ClinVar contains an entry for this variant (Variation ID: 407420). Invitae Evidence Modeling of protein sequence and biophysical properties (such as structural, functional, and spatial information, amino acid conservation, physicochemical variation, residue mobility, and thermodynamic stability) indicates that this missense variant is not expected to disrupt PDGFRA protein function with a negative predictive value of 80%. In summary, the available evidence is currently insufficient to determine the role of this variant in disease. Therefore, it has been classified as a Variant of Uncertain Significance.

Ambry Genetics
Classification: Benign for Hereditary cancer-predisposing syndrome. Last evaluated: 2024-12-13. Review status: criteria provided, single submitter. Criteria: Ambry Variant Classification Scheme 2023. Collection method: clinical testing. Allele origin: germline.

GeneDx
Classification: Uncertain significance. Last evaluated: 2024-03-06. Review status: criteria provided, single submitter. Criteria: GeneDx Variant Classification Process June 2021. Collection method: clinical testing. Allele origin: germline.
Comment: In silico analysis supports that this missense variant has a deleterious effect on protein structure/function; Has not been previously published as pathogenic or benign to our knowledge

Baylor Genetics
Classification: Uncertain significance for Polyps, multiple and recurrent inflammatory fibroid, gastrointestinal. Last evaluated: 2023-08-15. Review status: criteria provided, single submitter. Criteria: ACMG Guidelines, 2015. Collection method: clinical testing. Allele origin: unknown.

Laboratory of Molecular Epidemiology of Birth Defects, West China Second University Hospital, Sichuan University
Classification: Likely pathogenic for Ovarian cancer. Last evaluated: 2022-01-01. Review status: criteria provided, single submitter. Criteria: ACMG Guidelines, 2015. Collection method: clinical testing. Allele origin: germline. Affected: yes.